The following is an entry in ClinVar:

NC_000004.11:g.(?_159601609)_(159606381_?)dup

Gene: ETFDH (electron transfer flavoprotein dehydrogenase; plus strand). Cytogenetic location: 4q32.1.
Variant type: Duplication.
Identifiers: ClinVar variation 3246605 (VCV003246605.1).

ClinVar aggregate classification (germline): Likely pathogenic (1 of 4 stars; one submission).

Conditions:
Multiple acyl-CoA dehydrogenase deficiency (MADD). Also called: ETHYLMALONIC-ADIPICACIDURIA; GA II; Glutaric aciduria, type 2; Glutaric acidemia type II; GA 2; Glutaric Acidemia type 2. Identifiers: Orphanet 26791, MedGen C0268596, MONDO:0009282, OMIM 231680.

Submission:

Labcorp Genetics (formerly Invitae), Labcorp
Classification: Likely pathogenic for Multiple acyl-CoA dehydrogenase deficiency. Last evaluated: 2022-11-09. Review status: criteria provided, single submitter. Criteria: Invitae Variant Classification Sherloc (09022015). Collection method: clinical testing. Allele origin: unknown.
Comment: In summary, the currently available evidence indicates that the variant is pathogenic, but additional data are needed to prove that conclusively. Therefore, this variant has been classified as Likely Pathogenic. This variant has not been reported in the literature in individuals affected with ETFDH-related conditions. This variant results in a copy number gain of the genomic region encompassing exon(s) 2-5 of the ETFDH gene. While the exact position of this variant cannot be determined from the data, sub-genic copy number gains are generally in tandem (PMID: 25640679). This variant is predicted to be out-of-frame, and may result in an absent or disrupted protein product. Loss-of-function variants in ETFDH are known to be pathogenic (PMID: 16510302, 23785301).

Literature cited by the submitters: PubMed 25640679; PubMed 16510302; PubMed 23785301.